The following is an entry in ClinVar:

NM_001195263.2(PDZD7):c.324C>T (p.Gly108=)

Gene: PDZD7 (PDZ domain containing 7; minus strand). Cytogenetic location: 10q24.31.
Variant type: single nucleotide variant.
Coding change: c.324C>T on transcript NM_001195263.2 (MANE Select); coding-DNA position 324, C replaced by T.
Protein change: p.Gly108=; no amino-acid change (glycine 108 retained).
Molecular consequence: synonymous variant.
Genome position (GRCh38, 1-based): chr10:101,023,971, G>A on the plus strand (C>T on the coding strand, the complement: PDZD7 is on the minus strand). VCF-style: chr10-101023971-G-A. GRCh37 (hg19) VCF-style: chr10-102783728-G-A.
Other names: c.324C>T, p.Gly108= (NM_001351044.2, NM_024895.5).
Identifiers: ClinVar variation 1166430 (VCV001166430.28), dbSNP rs147133210, ClinGen allele CA5654440.

ClinVar aggregate classification (germline): Benign/Likely benign. Review status: criteria provided, multiple submitters, no conflicts (2 of 4 stars). 6 submissions from 6 submitters: Benign (1); Likely benign (5). Last evaluated 2025-12-11.

Conditions:
PDZD7-related disorder. Also called: PDZD7-related condition; PDZD7-related disorders.

Allele frequency attached by ClinVar (database versions not stated): gnomAD exomes 0.00007 and 0.00022; 1000 Genomes Project 30x 0.00016; 1000 Genomes Project 0.00020; ExAC 0.00032; gnomAD 0.00107 and 0.00115; TOPMed 0.00122; ESP Exome Variant Server 0.00123.
gnomAD v4.1: 283 of 1,614,222 alleles (0.018%); highest among the groups gnomAD compares: African/African-American, 0.31%; 1 homozygote.

Submissions (6):

Labcorp Genetics (formerly Invitae), Labcorp
Classification: Benign. Last evaluated: 2025-12-11. Review status: criteria provided, single submitter. Criteria: Invitae Variant Classification Sherloc (09022015). Collection method: clinical testing. Allele origin: germline.

CeGaT Center for Human Genetics Tuebingen
Classification: Likely benign. Last evaluated: 2025-01-01. Review status: criteria provided, single submitter. Criteria: CeGaT Center For Human Genetics Tuebingen Variant Classification Criteria Version 2. Collection method: clinical testing. Allele origin: germline. Affected: yes. Observed: 1 variant allele.
Comment: PDZD7: BP4

PreventionGenetics, part of Exact Sciences
Classification: Likely benign for PDZD7-related condition. Last evaluated: 2024-12-06. Review status: criteria provided, single submitter. Criteria: ACMG Guidelines, 2015. Collection method: clinical testing. Allele origin: germline.
Comment: This variant is classified as likely benign based on ACMG/AMP sequence variant interpretation guidelines (Richards et al. 2015 PMID: 25741868, with internal and published modifications).

Blueprint Genetics
Classification: Likely benign. Last evaluated: 2024-11-01. Review status: criteria provided, single submitter. Criteria: ACMG Guidelines, 2015. Collection method: clinical testing. Allele origin: germline.

GeneDx
Classification: Likely benign. Last evaluated: 2020-10-01. Review status: criteria provided, single submitter. Criteria: GeneDx Variant Classification Process June 2021. Collection method: clinical testing. Allele origin: germline. Affected: yes.

Breakthrough Genomics
Classification: Likely benign. Review status: criteria provided, single submitter. Criteria: ACMG Guidelines, 2015. Collection method: not provided. Allele origin: germline. Inheritance: Autosomal recessive inheritance. Affected: yes.